The following is an entry in ClinVar:

NM_057175.5(NAA15):c.1646G>A (p.Arg549Gln)

Gene: NAA15 (N-alpha-acetyltransferase 15, NatA auxiliary subunit; plus strand). Cytogenetic location: 4q31.1.
Variant type: single nucleotide variant.
Coding change: c.1646G>A on transcript NM_057175.5 (MANE Select); coding-DNA position 1646, G replaced by A.
Protein change: p.Arg549Gln; replaces arginine 549 with glutamine.
Molecular consequence: missense variant.
Genome position (GRCh38, 1-based): chr4:139,361,830, G>A. VCF-style: chr4-139361830-G-A. GRCh37 (hg19) VCF-style: chr4-140282984-G-A.
Other names: c.1646G>A (NM_057175.3); c.1646G>A, p.Arg549Gln (NM_001410842.1); short protein forms R549Q.
Identifiers: ClinVar variation 4279542 (VCV004279542.2).

ClinVar aggregate classification (germline): Uncertain significance. Review status: criteria provided, multiple submitters, no conflicts (2 of 4 stars). 2 submissions from 2 submitters: Uncertain significance (2). Last evaluated 2026-03-01.

Conditions:
Intellectual developmental disorder, autosomal dominant 50, with behavioral abnormalities. Also called: MENTAL RETARDATION, AUTOSOMAL DOMINANT 50; Intellectual disability, autosomal dominant 50. Identifiers: MedGen C4540470, MONDO:0030916, OMIM 617787.

gnomAD v4.1: 8 of 1,613,296 alleles (0.0005%); highest among the groups gnomAD compares: Non-Finnish European, 0.00059%; no homozygotes.

Submissions (2):

GeneDx
Classification: Uncertain significance. Last evaluated: 2026-03-01. Review status: criteria provided, single submitter. Criteria: GeneDx Variant Classification Process June 2021. Collection method: clinical testing. Allele origin: germline.
Comment: Not observed at significant frequency in large population cohorts (gnomAD); In silico analysis supports that this missense variant has a deleterious effect on protein structure/function; Has not been previously published as pathogenic or benign to our knowledge; In silico analysis suggests this variant may impact gene splicing. In the absence of RNA/functional studies, the actual effect of this sequence change is unknown.

Department of Paediatrics at Addenbrookes, Cambridge University Hospitals NHS Foundation Trust (UK)
Classification: Uncertain significance for Intellectual developmental disorder, autosomal dominant 50, with behavioral abnormalities. Last evaluated: 2025-05-27. Review status: criteria provided, single submitter. Criteria: Durkie Uk Practice Guidelines For Variant Classification V12 2024 (1). Collection method: clinical testing. Allele origin: unknown.
Comment: PM1_Moderate; PM2_Moderate